The following is an entry in ClinVar:

ClinVar aggregate classification (germline): Likely benign. Review status: criteria provided, multiple submitters, no conflicts (2 of 4 stars). 2 submissions from 2 submitters: Likely benign (2). Last evaluated 2025-05-23.

Conditions:
Candidiasis, familial, 9 (CANDF9). Identifiers: Orphanet 1334, MedGen C4225324, MONDO:0014642, OMIM 616445.

gnomAD v4.1: 18 of 1,577,704 alleles (0.0011%); highest among the groups gnomAD compares: Middle Eastern, 0.017%; no homozygotes.

Submissions (2):

Labcorp Genetics (formerly Invitae), Labcorp
Classification: Likely benign for Candidiasis, familial, 9. Last evaluated: 2025-05-23. Review status: criteria provided, single submitter. Criteria: Invitae Variant Classification Sherloc (09022015). Collection method: clinical testing. Allele origin: germline.

CeGaT Center for Human Genetics Tuebingen
Classification: Likely benign. Last evaluated: 2022-07-01. Review status: criteria provided, single submitter. Criteria: CeGaT Center For Human Genetics Tuebingen Variant Classification Criteria Version 2. Collection method: clinical testing. Allele origin: germline. Affected: yes. Observed: 1 variant allele.
Comment: IL17RC: BP4, BP7

NM_153460.4(IL17RC):c.273C>A (p.Ala91=)

Gene: IL17RC (interleukin 17 receptor C; plus strand). Cytogenetic location: 3p25.3.
Variant type: single nucleotide variant.
Coding change: c.273C>A on transcript NM_153460.4 (MANE Select); coding-DNA position 273, C replaced by A.
Protein change: p.Ala91=; no amino-acid change (alanine 91 retained).
Molecular consequence: synonymous variant. On other transcripts: non-coding transcript variant (1).
Genome position (GRCh38, 1-based): chr3:9,918,068, C>A. VCF-style: chr3-9918068-C-A. GRCh37 (hg19) VCF-style: chr3-9959752-C-A.
Other names: c.273C>A, p.Ala91= (NM_001203263.2, NM_001203264.2, NM_001203265.2 and 4 more transcripts); c.486C>A, p.Ala162= (NM_153461.4).
Identifiers: ClinVar variation 653202 (VCV000653202.36), dbSNP rs1205369392, ClinGen allele CA432392390.